The following is an entry in ClinVar:

ClinVar aggregate classification (germline): Uncertain significance (1 of 4 stars; one submission).

gnomAD v4.1: 3 of 1,613,920 alleles (0.00019%); highest among the groups gnomAD compares: Non-Finnish European, 0.00025%; no homozygotes.

Submission:

Labcorp Genetics (formerly Invitae), Labcorp
Classification: Uncertain significance. Last evaluated: 2025-04-10. Review status: criteria provided, single submitter. Criteria: Invitae Variant Classification Sherloc (09022015). Collection method: clinical testing. Allele origin: germline.
Comment: This sequence change replaces glutamic acid, which is acidic and polar, with lysine, which is basic and polar, at codon 128 of the ENPP1 protein (p.Glu128Lys). This variant is not present in population databases (gnomAD no frequency). This variant has not been reported in the literature in individuals affected with ENPP1-related conditions. Invitae Evidence Modeling of protein sequence and biophysical properties (such as structural, functional, and spatial information, amino acid conservation, physicochemical variation, residue mobility, and thermodynamic stability) indicates that this missense variant is not expected to disrupt ENPP1 protein function with a negative predictive value of 80%. In summary, the available evidence is currently insufficient to determine the role of this variant in disease. Therefore, it has been classified as a Variant of Uncertain Significance.

NM_006208.3(ENPP1):c.382G>A (p.Glu128Lys)

Gene: ENPP1 (ectonucleotide pyrophosphatase/phosphodiesterase 1; plus strand). Cytogenetic location: 6q23.2.
Variant type: single nucleotide variant.
Coding change: c.382G>A on transcript NM_006208.3 (MANE Select); coding-DNA position 382, G replaced by A.
Protein change: p.Glu128Lys; replaces glutamic acid 128 with lysine.
Molecular consequence: missense variant.
Genome position (GRCh38, 1-based): chr6:131,850,058, G>A. VCF-style: chr6-131850058-G-A. GRCh37 (hg19) VCF-style: chr6-132171198-G-A.
Other names: short protein forms E128K.
Identifiers: ClinVar variation 4773281 (VCV004773281.1).